The following is an entry in ClinVar:

ClinVar aggregate classification (germline): Conflicting classifications of pathogenicity. Review status: criteria provided, conflicting classifications (1 of 4 stars). 2 submissions from 2 submitters: Uncertain significance (1); Likely benign (1). Last evaluated 2025-09-30.

Conditions:
C3 glomerulonephritis. Also called: Nephropathy due to CFHR5 Deficiency; C3 GLOMERULOPATHY 3. Identifiers: Orphanet 329931, MedGen C4055342, MONDO:0013892, OMIM 614809.

Allele frequency attached by ClinVar (database versions not stated): ExAC 0.00011; gnomAD 0.00003.
gnomAD v4.1: 75 of 1,612,654 alleles (0.0047%); highest among the groups gnomAD compares: South Asian, 0.079%; 1 homozygote.

Submissions (2):

Genomenon, Inc
Classification: Uncertain significance for C3 glomerulonephritis. Last evaluated: 2025-09-30. Review status: criteria provided, single submitter. Criteria: Genomenon Sequence Variant Interpretation Standards. Collection method: curation. Allele origin: germline. Affected: yes.
Comment: C3 p.Ser1063Asn (c.3188G>A) is a missense variant that changes the amino acid at residue 1063 from Serine to Asparagine. This variant has been observed in at least one proband affected with C3 glomerulonephritis (PMID:26895476). In silico models agree that this variant is not damaging. In conclusion, we classify C3 p.Ser1063Asn (c.3188G>A) as a variant of unknown significance.

Labcorp Genetics (formerly Invitae), Labcorp
Classification: Likely benign. Last evaluated: 2025-08-29. Review status: criteria provided, single submitter. Criteria: Invitae Variant Classification Sherloc (09022015). Collection method: clinical testing. Allele origin: germline.

Literature cited by the submitters: PubMed 26895476 (cited by Genomenon, Inc).

NM_000064.4(C3):c.3188G>A (p.Ser1063Asn)

Gene: C3 (complement C3; minus strand). Cytogenetic location: 19p13.3.
Variant type: single nucleotide variant.
Coding change: c.3188G>A on transcript NM_000064.4 (MANE Select); coding-DNA position 3188, G replaced by A.
Protein change: p.Ser1063Asn; replaces serine 1063 with asparagine.
Molecular consequence: missense variant.
Genome position (GRCh38, 1-based): chr19:6,693,454, C>T on the plus strand (G>A on the coding strand, the complement: C3 is on the minus strand). VCF-style: chr19-6693454-C-T. GRCh37 (hg19) VCF-style: chr19-6693465-C-T.
Other names: short protein forms S1063N.
Identifiers: ClinVar variation 2986104 (VCV002986104.4), dbSNP rs779809161, ClinGen allele CA9128824.
Genomic context (GRCh38, chr19:6,693,454, plus strand): 5'-CTGGCTGTTGGGACTCACCAGGTGCTGGGTGCCCGTTTCACGAAGGCCGCAAAGGCAGAG[C>T]TGGGTTGTCTGAAGGCCAGCTGCTGGGTGTACCCTGCAGAGAAGAGAGAGGAACCCCCAA-3'
Protein context (NP_000055.2, residues 1053-1073): YTQQLAFRQP[Ser1063Asn]SAFAAFVKRA